The following is an entry in ClinVar:

NM_003849.4(SUCLG1):c.589+307G>A

Gene: SUCLG1 (succinate-CoA ligase GDP/ADP-forming subunit alpha; minus strand). Cytogenetic location: 2p11.2.
Variant type: single nucleotide variant.
Coding change: c.589+307G>A on transcript NM_003849.4 (MANE Select); 307 bases into the intron after coding-DNA position 589, G replaced by A.
Molecular consequence: intron variant.
Genome position (GRCh38, 1-based): chr2:84,440,740, C>T on the plus strand (G>A on the coding strand, the complement: SUCLG1 is on the minus strand). VCF-style: chr2-84440740-C-T. GRCh37 (hg19) VCF-style: chr2-84667864-C-T.
Identifiers: ClinVar variation 684110 (VCV000684110.1), dbSNP rs10191009, ClinGen allele CA15190083.

ClinVar aggregate classification (germline): Benign (1 of 4 stars; one submission).

Allele frequency attached by ClinVar (database versions not stated): gnomAD 0.96468 and 0.96550; TOPMed 0.96754; 1000 Genomes Project 30x 0.97954; 1000 Genomes Project 0.98063.
gnomAD v4.1: 147,040 of 152,340 alleles (97%); highest among the groups gnomAD compares: East Asian, 100%; 71,010 homozygotes.

Submission:

GeneDx
Classification: Benign. Last evaluated: 2018-06-14. Review status: criteria provided, single submitter. Criteria: GeneDx Variant Classification (06012015). Collection method: clinical testing. Allele origin: germline. Affected: yes.
Comment: This variant is considered likely benign or benign based on one or more of the following criteria: it is a conservative change, it occurs at a poorly conserved position in the protein, it is predicted to be benign by multiple in silico algorithms, and/or has population frequency not consistent with disease.